The following is an entry in ClinVar:

ClinVar aggregate classification (germline): Pathogenic. Review status: criteria provided, single submitter (1 of 4 stars). 2 submissions from 2 submitters: Pathogenic (1). 1 of the submissions does not count toward it. Last evaluated 2024-06-30.

Conditions:
Angioimmunoblastic T-cell lymphoma. Identifiers: Orphanet 86886, MedGen C0020981, MONDO:0004977.

Allele frequency attached by ClinVar (database versions not stated): gnomAD exomes below 0.00001; gnomAD 0.00001.

Submissions (2):

Labcorp Genetics (formerly Invitae), Labcorp
Classification: Pathogenic. Last evaluated: 2024-06-30. Review status: criteria provided, single submitter. Criteria: Invitae Variant Classification Sherloc (09022015). Collection method: clinical testing. Allele origin: germline.
Comment: This sequence change creates a premature translational stop signal (p.Cys1298Leufs*65) in the TET2 gene. It is expected to result in an absent or disrupted protein product. Loss-of-function variants in TET2 are known to be pathogenic (PMID: 36066697). This variant is present in population databases (no rsID available, gnomAD 0.002%). This variant has not been reported in the literature in individuals affected with TET2-related conditions. ClinVar contains an entry for this variant (Variation ID: 2664682). For these reasons, this variant has been classified as Pathogenic.

Molecular Diagnostics Laboratory, University of Rochester Medical Center
Classification: Uncertain significance for Angioimmunoblastic T-cell lymphoma. Review status: no assertion criteria provided. Collection method: provider interpretation. Allele origin: unknown. Affected: yes. Not counted in ClinVar's aggregate classification.

Literature cited by the submitters: PubMed 36066697 (cited by Labcorp Genetics (formerly Invitae), Labcorp); PubMed 19797729 (cited by Molecular Diagnostics Laboratory, University of Rochester Medical Center); PubMed 27276561 (cited by Molecular Diagnostics Laboratory, University of Rochester Medical Center).

NM_001127208.3(TET2):c.3893del (p.Cys1298fs)

Genes: TET2 (tet methylcytosine dioxygenase 2; plus strand), TET2-AS1 (TET2 antisense RNA 1; minus strand). Cytogenetic location: 4q24.
Variant type: Deletion.
Coding change: c.3893del on transcript NM_001127208.3 (MANE Select); coding-DNA position 3893, one base deleted (G; older notation c.3893delG).
Protein change: p.Cys1298fs; shifts the reading frame from cysteine 1298.
Molecular consequence: frameshift variant.
Genome position (GRCh38, 1-based): chr4:105,259,708, G deleted. VCF-style (leftmost placement, unchanged base first): chr4-105259707-TG-T. GRCh37 (hg19) VCF-style: chr4-106180864-TG-T.
Other names: short protein forms C1298fs.
Identifiers: ClinVar variation 2664682 (VCV002664682.4), dbSNP rs1245041497, ClinGen allele CA553601470.
Genomic context (GRCh38, chr4:105,259,707, plus strand): 5'-CCAGAAACCTGTGGTGCCTCCTTCTCTTTTGGTTGTTCATGGAGCATGTACTACAATGGA[TG>T]TAAGTTTGCCAGAAGCAAGATCCCAAGGAAGTTTAAGCTGCTTGGGGATGACCCAAAAGA-3'